The following is an entry in ClinVar:

ClinVar aggregate classification (germline): Uncertain significance (1 of 4 stars; one submission).

gnomAD v4.1: 22 of 1,613,188 alleles (0.0014%); highest among the groups gnomAD compares: Non-Finnish European, 0.0018%; no homozygotes.

Submission:

Labcorp Genetics (formerly Invitae), Labcorp
Classification: Uncertain significance. Last evaluated: 2025-07-02. Review status: criteria provided, single submitter. Criteria: Invitae Variant Classification Sherloc (09022015). Collection method: clinical testing. Allele origin: germline.
Comment: This sequence change replaces arginine, which is basic and polar, with glutamine, which is neutral and polar, at codon 384 of the SIRT1 protein (p.Arg384Gln). This variant is not present in population databases (gnomAD no frequency). This variant has not been reported in the literature in individuals affected with SIRT1-related conditions. ClinVar contains an entry for this variant (Variation ID: 3680962). An algorithm developed to predict the effect of missense changes on protein structure and function (PolyPhen-2) suggests that this variant is likely to be disruptive. In summary, the available evidence is currently insufficient to determine the role of this variant in disease. Therefore, it has been classified as a Variant of Uncertain Significance.

NM_012238.5(SIRT1):c.1151G>A (p.Arg384Gln)

Gene: SIRT1 (sirtuin 1; plus strand). Cytogenetic location: 10q21.3.
Variant type: single nucleotide variant.
Coding change: c.1151G>A on transcript NM_012238.5 (MANE Select); coding-DNA position 1151, G replaced by A.
Protein change: p.Arg384Gln; replaces arginine 384 with glutamine.
Molecular consequence: missense variant.
Genome position (GRCh38, 1-based): chr10:67,908,106, G>A. VCF-style: chr10-67908106-G-A. GRCh37 (hg19) VCF-style: chr10-69667863-G-A.
Other names: c.266G>A, p.Arg89Gln (NM_001142498.2); c.242G>A, p.Arg81Gln (NM_001314049.2); short protein forms R384Q, R89Q, R81Q.
Identifiers: ClinVar variation 3680962 (VCV003680962.2).